The following is an entry in ClinVar:

NM_173660.5(DOK7):c.1367dup (p.Met456fs)

Gene: DOK7 (docking protein 7; plus strand). Cytogenetic location: 4p16.3.
Variant type: Duplication.
Coding change: c.1367dup on transcript NM_173660.5 (MANE Select); coding-DNA position 1367, one base duplicated (T; older notation c.1367dupT).
Protein change: p.Met456fs; shifts the reading frame from methionine 456.
Molecular consequence: frameshift variant. On other transcripts: 3 prime UTR variant (1).
Genome position (GRCh38, 1-based): chr4:3,493,353, T duplicated. VCF-style (leftmost placement, unchanged base first): chr4-3493352-A-AT. GRCh37 (hg19) VCF-style: chr4-3495079-A-AT.
Other names: c.*588dup (NM_001164673.2); c.437dup, p.Met146fs (NM_001256896.2); c.1367dup, p.Met456fs (NM_001301071.2); c.935dup, p.Met312fs (NM_001363811.2); short protein forms M146fs, M312fs, M456fs.
Identifiers: ClinVar variation 2413517 (VCV002413517.8), dbSNP rs2475116637, ClinGen allele CA2580070727.

ClinVar aggregate classification (germline): Pathogenic (1 of 4 stars; one submission).

Conditions:
Congenital myasthenic syndrome 10. Also called: Myasthenia, limb-girdle, familial. Identifiers: Orphanet 590, MedGen C1850792, MONDO:0009690, OMIM 254300.
Fetal akinesia deformation sequence 1 (FADS1). Also called: Pena-Shokeir syndrome type I; Fetal akinesia sequence. Identifiers: Orphanet 994, MedGen C1276035, MONDO:0100101, OMIM 208150, HP:0001989.

Allele frequency attached by ClinVar (database versions not stated): gnomAD exomes below 0.00001.

Submission:

Labcorp Genetics (formerly Invitae), Labcorp
Classification: Pathogenic for Congenital myasthenic syndrome 10; Fetal akinesia deformation sequence 1. Last evaluated: 2023-11-05. Review status: criteria provided, single submitter. Criteria: Invitae Variant Classification Sherloc (09022015). Collection method: clinical testing. Allele origin: germline.
Comment: This sequence change results in a frameshift in the DOK7 gene (p.Met456Ilefs*63). While this is not anticipated to result in nonsense mediated decay, it is expected to disrupt the last 49 amino acid(s) of the DOK7 protein and extend the protein by 13 additional amino acid residues. This variant is not present in population databases (gnomAD no frequency). This variant has not been reported in the literature in individuals affected with DOK7-related conditions. ClinVar contains an entry for this variant (Variation ID: 2413517). This variant results in an extension of the DOK7 protein. Other variant(s) that result in a similarly extended protein product (p.Gln460Profs*59) have been determined to be pathogenic (PMID: 16917026, 18626973). This suggests that these extensions are likely to be disease-causing. For these reasons, this variant has been classified as Pathogenic.

Literature cited by the submitters: PubMed 16917026; PubMed 18626973.